The following is an entry in ClinVar:

NM_004994.3(MMP9):c.1079C>A (p.Thr360Asn)

Gene: MMP9 (matrix metallopeptidase 9; plus strand). Cytogenetic location: 20q13.12.
Variant type: single nucleotide variant.
Coding change: c.1079C>A on transcript NM_004994.3 (MANE Select); coding-DNA position 1079, C replaced by A.
Protein change: p.Thr360Asn; replaces threonine 360 with asparagine.
Molecular consequence: missense variant.
Genome position (GRCh38, 1-based): chr20:46,012,218, C>A. VCF-style: chr20-46012218-C-A. GRCh37 (hg19) VCF-style: chr20-44640857-C-A.
Other names: c.1079C>A (NM_004994.2); short protein forms T360N.
Identifiers: ClinVar variation 1466973 (VCV001466973.7), dbSNP rs201995611, ClinGen allele CA9886618.
Genomic context (GRCh38, chr20:46,012,218, plus strand): 5'-GCAACTCGGCGGGGGAGCTGTGCGTCTTCCCCTTCACTTTCCTGGGTAAGGAGTACTCGA[C>A]CTGTACCAGCGAGGGCCGCGGAGATGGGCGCCTCTGGTGCGCTACCACCTCGAACTTTGA-3'
Protein context (NP_004985.2, residues 350-370): PFTFLGKEYS[Thr360Asn]CTSEGRGDGR

ClinVar aggregate classification (germline): Uncertain significance. Review status: criteria provided, multiple submitters, no conflicts (2 of 4 stars). 2 submissions from 2 submitters: Uncertain significance (2). Last evaluated 2025-05-20.

Allele frequency attached by ClinVar (database versions not stated): ExAC 0.00001; gnomAD 0.00001; TOPMed 0.00003; gnomAD exomes 0.00004.
gnomAD v4.1: 46 of 1,614,076 alleles (0.0028%); highest among the groups gnomAD compares: Admixed American, 0.0083%; no homozygotes.

Submissions (2):

Ambry Genetics
Classification: Uncertain significance. Last evaluated: 2025-05-20. Review status: criteria provided, single submitter. Criteria: Ambry Variant Classification Scheme 2023. Collection method: clinical testing. Allele origin: germline.

Labcorp Genetics (formerly Invitae), Labcorp
Classification: Uncertain significance. Last evaluated: 2024-10-19. Review status: criteria provided, single submitter. Criteria: Invitae Variant Classification Sherloc (09022015). Collection method: clinical testing. Allele origin: germline.
Comment: This sequence change replaces threonine, which is neutral and polar, with asparagine, which is neutral and polar, at codon 360 of the MMP9 protein (p.Thr360Asn). This variant is present in population databases (rs201995611, gnomAD 0.01%). This variant has not been reported in the literature in individuals affected with MMP9-related conditions. ClinVar contains an entry for this variant (Variation ID: 1466973). Invitae Evidence Modeling of protein sequence and biophysical properties (such as structural, functional, and spatial information, amino acid conservation, physicochemical variation, residue mobility, and thermodynamic stability) indicates that this missense variant is not expected to disrupt MMP9 protein function with a negative predictive value of 80%. In summary, the available evidence is currently insufficient to determine the role of this variant in disease. Therefore, it has been classified as a Variant of Uncertain Significance.